The following is an entry in ClinVar:

ClinVar aggregate classification (germline): Uncertain significance. Review status: criteria provided, multiple submitters, no conflicts (2 of 4 stars). 2 submissions from 2 submitters: Uncertain significance (2). Last evaluated 2025-12-15.

Allele frequency attached by ClinVar (database versions not stated): ESP Exome Variant Server 0.00008; ExAC 0.00010; gnomAD exomes 0.00010; TOPMed 0.00010; gnomAD 0.00013 and 0.00014.
gnomAD v4.1: 157 of 1,603,606 alleles (0.0098%); highest among the groups gnomAD compares: Middle Eastern, 0.017%; no homozygotes.

Submissions (2):

Labcorp Genetics (formerly Invitae), Labcorp
Classification: Uncertain significance. Last evaluated: 2025-12-15. Review status: criteria provided, single submitter. Criteria: Invitae Variant Classification Sherloc (09022015). Collection method: clinical testing. Allele origin: germline.
Comment: This sequence change replaces threonine, which is neutral and polar, with alanine, which is neutral and non-polar, at codon 344 of the ZNF335 protein (p.Thr344Ala). This variant is present in population databases (rs368649316, gnomAD 0.03%). This variant has not been reported in the literature in individuals affected with ZNF335-related conditions. ClinVar contains an entry for this variant (Variation ID: 1393269). Invitae Evidence Modeling of protein sequence and biophysical properties (such as structural, functional, and spatial information, amino acid conservation, physicochemical variation, residue mobility, and thermodynamic stability) indicates that this missense variant is not expected to disrupt ZNF335 protein function with a negative predictive value of 80%. In summary, the available evidence is currently insufficient to determine the role of this variant in disease. Therefore, it has been classified as a Variant of Uncertain Significance.

Breakthrough Genomics
Classification: Uncertain significance. Review status: criteria provided, single submitter. Criteria: ACMG Guidelines, 2015. Collection method: not provided. Allele origin: germline. Inheritance: Autosomal dominant inheritance. Affected: yes.

NM_022095.4(ZNF335):c.1030A>G (p.Thr344Ala)

Gene: ZNF335 (zinc finger protein 335; minus strand). Cytogenetic location: 20q13.12.
Variant type: single nucleotide variant.
Coding change: c.1030A>G on transcript NM_022095.4 (MANE Select); coding-DNA position 1030, A replaced by G.
Protein change: p.Thr344Ala; replaces threonine 344 with alanine.
Molecular consequence: missense variant.
Genome position (GRCh38, 1-based): chr20:45,965,700, T>C on the plus strand (A>G on the coding strand, the complement: ZNF335 is on the minus strand). VCF-style: chr20-45965700-T-C. GRCh37 (hg19) VCF-style: chr20-44594339-T-C.
Other names: short protein forms T344A.
Identifiers: ClinVar variation 1393269 (VCV001393269.5), dbSNP rs368649316, ClinGen allele CA9885865.
Genomic context (GRCh38, chr20:45,965,700, plus strand): 5'-CTGAGATCTCCAGGCGGGGCAGCTTCCGGGGCCGGCCAGGTCTCCTTCGGGGCCTTGGGG[T>C]ACTGGGGGTGGGGCGCTGGAGCCGAAGCTGCCGGCCTCGGGGCTCATCCTCAGCTGGATT-3'
Protein context (NP_071378.1, residues 334-354): QLRLQRPTPS[Thr344Ala]PRPRRRPGRP